The following is an entry in ClinVar:

NM_000135.4(FANCA):c.2381C>A (p.Ser794Tyr)

Gene: FANCA (FA complementation group A; minus strand). Cytogenetic location: 16q24.3.
Variant type: single nucleotide variant.
Coding change: c.2381C>A on transcript NM_000135.4 (MANE Select); coding-DNA position 2381, C replaced by A.
Protein change: p.Ser794Tyr; replaces serine 794 with tyrosine.
Molecular consequence: missense variant.
Genome position (GRCh38, 1-based): chr16:89,769,960, G>T on the plus strand (C>A on the coding strand, the complement: FANCA is on the minus strand). VCF-style: chr16-89769960-G-T. GRCh37 (hg19) VCF-style: chr16-89836368-G-T.
Other names: c.2381C>A, p.Ser794Tyr (NM_001286167.3); short protein forms S794Y.
Identifiers: ClinVar variation 5036362 (VCV005036362.1).

ClinVar aggregate classification (germline): Uncertain significance (1 of 4 stars; one submission).

Conditions:
Inborn genetic diseases. Identifiers: MedGen C0950123, MeSH D030342.

Submission:

Ambry Genetics
Classification: Uncertain significance for Inborn genetic diseases. Last evaluated: 2026-07-19. Review status: criteria provided, single submitter. Criteria: Ambry Variant Classification Scheme 2023. Collection method: clinical testing. Allele origin: germline.
Comment: The p.S794Y variant (also known as c.2381C>A), located in coding exon 26 of the FANCA gene, results from a C to A substitution at nucleotide position 2381. The serine at codon 794 is replaced by tyrosine, an amino acid with dissimilar properties. This amino acid position is conserved. In addition, this alteration is predicted to be tolerated by in silico analysis. Based on the available evidence, the clinical significance of this variant remains unclear.